The following is an entry in ClinVar:

ClinVar aggregate classification (germline): Pathogenic (1 of 4 stars; one submission).

Submission:

CeGaT Center for Human Genetics Tuebingen
Classification: Pathogenic. Last evaluated: 2026-04-01. Review status: criteria provided, single submitter. Criteria: CeGaT Center For Human Genetics Tuebingen Variant Classification Criteria Version 2. Collection method: clinical testing. Allele origin: germline. Affected: yes. Observed: 2 variant alleles.
Comment: TAB2: PVS1, PM2

NM_001292034.3(TAB2):c.1600C>T (p.Gln534Ter)

Genes: TAB2 (TGF-beta activated kinase 1 (MAP3K7) binding protein 2; plus strand), LOC126859827 (BRD4-independent group 4 enhancer GRCh37_chr6:149699707-149700906; plus strand). Cytogenetic location: 6q25.1.
Variant type: single nucleotide variant.
Coding change: c.1600C>T on transcript NM_001292034.3 (MANE Select); coding-DNA position 1600, C replaced by T.
Protein change: p.Gln534Ter; replaces glutamine 534 with a stop codon.
Molecular consequence: nonsense.
Genome position (GRCh38, 1-based): chr6:149,379,515, C>T. VCF-style: chr6-149379515-C-T. GRCh37 (hg19) VCF-style: chr6-149700651-C-T.
Other names: c.1504C>T, p.Gln502Ter (NM_001292035.3); c.1600C>T, p.Gln534Ter (NM_001369506.1, NM_015093.6); short protein forms Q502*, Q534*.
Identifiers: ClinVar variation 4874661 (VCV004874661.2).